The following is an entry in ClinVar:

NM_001927.4(DES):c.1048C>G (p.Arg350Gly)

Gene: DES (desmin; plus strand). Cytogenetic location: 2q35.
Variant type: single nucleotide variant.
Coding change: c.1048C>G on transcript NM_001927.4 (MANE Select); coding-DNA position 1048, C replaced by G.
Protein change: p.Arg350Gly; replaces arginine 350 with glycine.
Molecular consequence: missense variant. On other transcripts: intron variant (2).
Genome position (GRCh38, 1-based): chr2:219,421,364, C>G. VCF-style: chr2-219421364-C-G. GRCh37 (hg19) VCF-style: chr2-220286086-C-G.
Other names: c.1045C>G, p.Arg349Gly (NM_001382708.1); c.1027C>G, p.Arg343Gly (NM_001382711.1); c.1048C>G, p.Arg350Gly (NM_001382712.1); c.778C>G, p.Arg260Gly (NM_001382713.1); c.1024-45C>G (NM_001382710.1); c.736-120C>G (NM_001382709.1); short protein forms R350G, R343G, R349G, R260G.
Identifiers: ClinVar variation 5006223 (VCV005006223.2).
Genomic context (GRCh38, chr2:219,421,364, plus strand): 5'-TTCCCTTCCTTGACCTGGGTTCCCCCTCTCCTGCAGAACGATTCCCTGATGAGGCAGATG[C>G]GGGAATTGGAGGACCGATTTGCCAGTGAGGCCAGTGGCTACCAGGACAACATTGCGCGCC-3'
Protein context (NP_001918.3, residues 340-360): GTNDSLMRQM[Arg350Gly]ELEDRFASEA

ClinVar aggregate classification (germline): Uncertain significance (1 of 4 stars; one submission).

Conditions:
Neurogenic scapuloperoneal syndrome, Kaeser type (SCPNK). Also called: KAESER SYNDROME. Identifiers: Orphanet 85146, MedGen C1867005, MONDO:0008407, OMIM 181400.
Dilated cardiomyopathy 1I (CMD1I). Identifiers: Orphanet 154, MedGen C1858154, MONDO:0011482, OMIM 604765.
Desmin-related myofibrillar myopathy (MFM1). Also called: Desminopathy; MYOFIBRILLAR MYOPATHY WITH ARRHYTHMOGENIC RIGHT VENTRICULAR CARDIOMYOPATHY; DESMIN-RELATED MYOPATHY WITH ARRHYTHMOGENIC RIGHT VENTRICULAR CARDIOMYOPATHY; Desmin related myopathy (former name); Desmin storage myopathy (former name); Myofibrillar myopathy 1. Identifiers: Orphanet 363543, Orphanet 98909, MedGen C1832370, MONDO:0011076, OMIM 601419.

gnomAD v4.1: 2 of 1,613,960 alleles (0.00012%); highest among the groups gnomAD compares: East Asian, 0.0022%; no homozygotes.

Submission:

Juno Genomics, Hangzhou Juno Genomics, Inc
Classification: Uncertain significance for Dilated cardiomyopathy 1I; Desmin-related myofibrillar myopathy; Neurogenic scapuloperoneal syndrome, Kaeser type. Review status: criteria provided, single submitter. Criteria: ACMG Guidelines, 2015. Collection method: clinical testing. Allele origin: germline.
Comment: Absent from controls (or at extremely low frequency if recessive) in Genome Aggregation Database.;Novel missense change at an amino acid residue where a different missense change determined to be pathogenic has been seen before.;Multiple lines of computational evidence support a deleterious effect on the gene or gene product.